The following is an entry in ClinVar:

ClinVar aggregate classification (germline): Conflicting classifications of pathogenicity. Review status: criteria provided, conflicting classifications (1 of 4 stars). 2 submissions from 2 submitters: Uncertain significance (1); Likely benign (1). Last evaluated 2024-06-22.

Allele frequency attached by ClinVar (database versions not stated): gnomAD exomes below 0.00001 and 0.00001; ExAC 0.00002.
gnomAD v4.1: 4 of 1,598,904 alleles (0.00025%); highest among the groups gnomAD compares: South Asian, 0.0044%; no homozygotes.

Submissions (2):

Labcorp Genetics (formerly Invitae), Labcorp
Classification: Likely benign. Last evaluated: 2024-06-22. Review status: criteria provided, single submitter. Criteria: Invitae Variant Classification Sherloc (09022015). Collection method: clinical testing. Allele origin: germline.

GeneDx
Classification: Uncertain significance. Last evaluated: 2019-06-28. Review status: criteria provided, single submitter. Criteria: GeneDx Variant Classification Process June 2021. Collection method: clinical testing. Allele origin: germline. Affected: yes.
Comment: Has not been previously published as pathogenic or benign to our knowledge; Not observed at a significant frequency in large population cohorts (Lek et al., 2016); In-silico analysis, which includes splice predictors and evolutionary conservation, is inconclusive as to whether the variant alters gene splicing. In the absence of RNA/functional studies, the actual effect of this sequence change is unknown.

NM_001077653.2(TBX20):c.891-9C>G

Gene: TBX20 (T-box transcription factor 20; minus strand). Cytogenetic location: 7p14.2.
Variant type: single nucleotide variant.
Coding change: c.891-9C>G on transcript NM_001077653.2 (MANE Select); 9 bases into the intron before coding-DNA position 891, C replaced by G.
Molecular consequence: intron variant.
Genome position (GRCh38, 1-based): chr7:35,204,591, G>C on the plus strand (C>G on the coding strand, the complement: TBX20 is on the minus strand). VCF-style: chr7-35204591-G-C. GRCh37 (hg19) VCF-style: chr7-35244203-G-C.
Identifiers: ClinVar variation 1306742 (VCV001306742.9), dbSNP rs761878149, ClinGen allele CA4217392.